The following is an entry in ClinVar:

ClinVar aggregate classification (germline): Conflicting classifications of pathogenicity. Review status: criteria provided, conflicting classifications (1 of 4 stars). 8 submissions from 8 submitters: Uncertain significance (1); Benign (4); Likely benign (1). 2 of the submissions do not count toward it. Last evaluated 2026-05-12.

Conditions:
Thyroid dyshormonogenesis 6 (TDH6). Also called: HYPOTHYROIDISM, CONGENITAL, DUE TO DYSHORMONOGENESIS, 6; Genetic transient congenital hypothyroidism; THYROID HORMONOGENESIS, GENETIC DEFECT IN, 6. Identifiers: Orphanet 226316, Orphanet 95716, MedGen C1846632, MONDO:0011792, OMIM 607200.

Allele frequency attached by ClinVar (database versions not stated): gnomAD 0.01090 and 0.01050; ESP Exome Variant Server 0.01255; 1000 Genomes Project 30x 0.00312; 1000 Genomes Project 0.00359; TOPMed 0.01153.
gnomAD v4.1: 21,949 of 1,612,426 alleles (1.4%); highest among the groups gnomAD compares: Non-Finnish European, 1.6%; 186 homozygotes.

Submissions (8):

Women's Health and Genetics/Laboratory Corporation of America, LabCorp
Classification: Likely benign. Last evaluated: 2026-05-12. Review status: criteria provided, single submitter. Criteria: LabCorp Variant Classification Summary - May 2015. Collection method: clinical testing. Allele origin: germline.

Labcorp Genetics (formerly Invitae), Labcorp
Classification: Benign. Last evaluated: 2026-02-04. Review status: criteria provided, single submitter. Criteria: Invitae Variant Classification Sherloc (09022015). Collection method: clinical testing. Allele origin: germline.

Mayo Clinic Laboratories, Mayo Clinic
Classification: Benign. Last evaluated: 2023-11-30. Review status: criteria provided, single submitter. Criteria: ACMG Guidelines, 2015. Collection method: clinical testing. Allele origin: germline. Observed: 5 variant alleles.
Comment: BS1, BS2, PP3

Illumina Laboratory Services, Illumina
Classification: Uncertain significance for Thyroid dyshormonogenesis 6. Last evaluated: 2018-01-13. Review status: criteria provided, single submitter. Criteria: ICSL Variant Classification Criteria 13 December 2019. Collection method: clinical testing. Allele origin: germline.

GeneDx
Classification: Benign. Last evaluated: 2015-03-03. Review status: criteria provided, single submitter. Criteria: GeneDx Variant Classification Process June 2021. Collection method: clinical testing. Allele origin: germline. Affected: yes.
Comment: This variant is associated with the following publications: (PMID: 31030636, 27373512)

PreventionGenetics, part of Exact Sciences
Classification: Benign. Review status: criteria provided, single submitter. Criteria: ACMG Guidelines, 2015. Collection method: clinical testing. Allele origin: germline.

Clinical Genetics DNA and cytogenetics Diagnostics Lab, Erasmus MC, Erasmus Medical Center
Classification: Benign. Review status: no assertion criteria provided. Collection method: clinical testing. Allele origin: germline. Affected: yes. Study: VKGL Data-share Consensus. Not counted in ClinVar's aggregate classification.

Clinical Genetics, Academic Medical Center
Classification: Likely benign. Review status: no assertion criteria provided. Collection method: clinical testing. Allele origin: germline. Affected: yes. Study: VKGL Data-share Consensus. Not counted in ClinVar's aggregate classification.

Literature cited by the submitters: PubMed 27373512 (cited by Mayo Clinic Laboratories, Mayo Clinic); PubMed 31030636 (cited by Mayo Clinic Laboratories, Mayo Clinic).

NM_001363711.2(DUOX2):c.908C>G (p.Pro303Arg)

Gene: DUOX2 (dual oxidase 2; minus strand). Cytogenetic location: 15q21.1.
Variant type: single nucleotide variant.
Coding change: c.908C>G on transcript NM_001363711.2 (MANE Select); coding-DNA position 908, C replaced by G.
Protein change: p.Pro303Arg; replaces proline 303 with arginine.
Molecular consequence: missense variant.
Genome position (GRCh38, 1-based): chr15:45,110,685, G>C on the plus strand (C>G on the coding strand, the complement: DUOX2 is on the minus strand). VCF-style: chr15-45110685-G-C. GRCh37 (hg19) VCF-style: chr15-45402883-G-C.
Other names: p.Pro303Arg; c.908C>G, p.Pro303Arg (NM_014080.5); short protein forms P303R.
Identifiers: ClinVar variation 260328 (VCV000260328.20), dbSNP rs151261408, ClinGen allele CA7538838.